The following is an entry in ClinVar:

ClinVar aggregate classification (germline): Benign/Likely benign. Review status: criteria provided, multiple submitters, no conflicts (2 of 4 stars). 3 submissions from 3 submitters: Benign (1); Likely benign (2). Last evaluated 2024-11-03.

Conditions:
Hereditary cancer-predisposing syndrome. Also called: Hereditary Cancer Syndrome; Hereditary neoplastic syndrome; Tumor predisposition; Neoplastic Syndromes, Hereditary. Identifiers: Orphanet 140162, MedGen C0027672, MeSH D009386, MONDO:0015356.
Oligodontia-cancer predisposition syndrome. Also called: TOOTH AGENESIS-COLORECTAL CANCER SYNDROME. Identifiers: Orphanet 300576, MedGen C1837750, MONDO:0012075, OMIM 608615. Disease mechanism: loss of function.

Submissions (3):

Labcorp Genetics (formerly Invitae), Labcorp
Classification: Likely benign for Oligodontia-cancer predisposition syndrome. Last evaluated: 2024-11-03. Review status: criteria provided, single submitter. Criteria: Invitae Variant Classification Sherloc (09022015). Collection method: clinical testing. Allele origin: germline.

Myriad Genetics, Inc.
Classification: Benign for Oligodontia-cancer predisposition syndrome. Last evaluated: 2024-06-26. Review status: criteria provided, single submitter. Criteria: Myriad Autosomal Dominant, Autosomal Recessive and X-Linked Classification Criteria (2023). Collection method: clinical testing. Allele origin: unknown.
Comment: This variant is considered benign. This variant is a silent/synonymous amino acid change and it is not expected to impact splicing.

Ambry Genetics
Classification: Likely benign for Hereditary cancer-predisposing syndrome. Last evaluated: 2021-12-08. Review status: criteria provided, single submitter. Criteria: Ambry Variant Classification Scheme 2023. Collection method: clinical testing. Allele origin: germline.

NM_004655.4(AXIN2):c.408A>G (p.Lys136=)

Gene: AXIN2 (axin 2; minus strand). Cytogenetic location: 17q24.1.
Variant type: single nucleotide variant.
Coding change: c.408A>G on transcript NM_004655.4 (MANE Select); coding-DNA position 408, A replaced by G.
Protein change: p.Lys136=; no amino-acid change (lysine 136 retained).
Molecular consequence: synonymous variant.
Genome position (GRCh38, 1-based): chr17:65,558,213, T>C on the plus strand (A>G on the coding strand, the complement: AXIN2 is on the minus strand). VCF-style: chr17-65558213-T-C. GRCh37 (hg19) VCF-style: chr17-63554331-T-C.
Other names: c.408A>G, p.Lys136= (NM_001363813.1).
Identifiers: ClinVar variation 1078987 (VCV001078987.12), dbSNP rs2144586539, ClinGen allele CA501691802.